The following is an entry in ClinVar:

NM_001111125.3(IQSEC2):c.2750G>A (p.Gly917Glu)

Gene: IQSEC2 (IQ motif and Sec7 domain ArfGEF 2; minus strand). Cytogenetic location: Xp11.22.
Variant type: single nucleotide variant.
Coding change: c.2750G>A on transcript NM_001111125.3 (MANE Select); coding-DNA position 2750, G replaced by A.
Protein change: p.Gly917Glu; replaces glycine 917 with glutamic acid.
Molecular consequence: missense variant.
Genome position (GRCh38, 1-based): chrX:53,243,471, C>T on the plus strand (G>A on the coding strand, the complement: IQSEC2 is on the minus strand). VCF-style: chrX-53243471-C-T. GRCh37 (hg19) VCF-style: chrX-53272653-C-T.
Other names: c.2750G>A, p.Gly917Glu (NM_001410736.1); c.2135G>A, p.Gly712Glu (NM_015075.2); short protein forms G712E, G917E.
Identifiers: ClinVar variation 1718211 (VCV001718211.6), dbSNP rs2519746954, ClinGen allele CA413154489.
Genomic context (GRCh38, chrX:53,243,471, plus strand): 5'-TGGATGCGCTGGTAGATGCCCACCAGGAGGTCTCGGGGGATGTCTTCACCATTGTCAACC[C>T]CTGGGGGAGGGAGTAACACAGGGATATGTCACATAATTATGGGCACTGGGTGGTAGGGGT-3'
Protein context (NP_001104595.1, residues 907-927): KLDDFIKNLR[Gly917Glu]VDNGEDIPRD

ClinVar aggregate classification (germline): Uncertain significance (1 of 4 stars; one submission).

Conditions:
Intellectual developmental disorder, X-linked 1. Also called: MENTAL RETARDATION, X-LINKED 18; MENTAL RETARDATION, X-LINKED 78; Intellectual disability, X-linked 1; Atkin Flaitz Patil Smith syndrome. Identifiers: Orphanet 777, MedGen C2931498, MONDO:0010656, OMIM 309530.

Allele frequency attached by ClinVar (database versions not stated): gnomAD exomes below 0.00001.
gnomAD v4.1: 2 of 1,173,785 alleles (0.00017%); highest among the groups gnomAD compares: Non-Finnish European, 0.00023%; no homozygotes.

Submission:

Labcorp Genetics (formerly Invitae), Labcorp
Classification: Uncertain significance for Intellectual developmental disorder, X-linked 1. Last evaluated: 2022-11-19. Review status: criteria provided, single submitter. Criteria: Invitae Variant Classification Sherloc (09022015). Collection method: clinical testing. Allele origin: germline.
Comment: In summary, the available evidence is currently insufficient to determine the role of this variant in disease. Therefore, it has been classified as a Variant of Uncertain Significance. Algorithms developed to predict the effect of missense changes on protein structure and function (SIFT, PolyPhen-2, Align-GVGD) all suggest that this variant is likely to be disruptive. This variant has not been reported in the literature in individuals affected with IQSEC2-related conditions. This variant is not present in population databases (gnomAD no frequency). This sequence change replaces glycine, which is neutral and non-polar, with glutamic acid, which is acidic and polar, at codon 917 of the IQSEC2 protein (p.Gly917Glu).